The following is an entry in ClinVar:

ClinVar aggregate classification (germline): Uncertain significance (1 of 4 stars; one submission).

Submission:

Labcorp Genetics (formerly Invitae), Labcorp
Classification: Uncertain significance. Last evaluated: 2023-06-04. Review status: criteria provided, single submitter. Criteria: Invitae Variant Classification Sherloc (09022015). Collection method: clinical testing. Allele origin: germline.
Comment: An algorithm developed to predict the effect of missense changes on protein structure and function (PolyPhen-2) suggests that this variant is likely to be tolerated. This sequence change replaces leucine, which is neutral and non-polar, with valine, which is neutral and non-polar, at codon 343 of the ANKRD26 protein (p.Leu343Val). This variant is not present in population databases (gnomAD no frequency). This variant has not been reported in the literature in individuals affected with ANKRD26-related conditions. In summary, the available evidence is currently insufficient to determine the role of this variant in disease. Therefore, it has been classified as a Variant of Uncertain Significance.

NM_014915.3(ANKRD26):c.1027C>G (p.Leu343Val)

Gene: ANKRD26 (ankyrin repeat domain 26; minus strand). Cytogenetic location: 10p12.1.
Variant type: single nucleotide variant.
Coding change: c.1027C>G on transcript NM_014915.3 (MANE Select); coding-DNA position 1027, C replaced by G.
Protein change: p.Leu343Val; replaces leucine 343 with valine.
Molecular consequence: missense variant.
Genome position (GRCh38, 1-based): chr10:27,077,388, G>C on the plus strand (C>G on the coding strand, the complement: ANKRD26 is on the minus strand). VCF-style: chr10-27077388-G-C. GRCh37 (hg19) VCF-style: chr10-27366317-G-C.
Other names: c.1027C>G, p.Leu343Val (NM_001256053.2); short protein forms L343V.
Identifiers: ClinVar variation 3022138 (VCV003022138.3), dbSNP rs2539120035, ClinGen allele CA376361652.